The following is an entry in ClinVar:

ClinVar aggregate classification (germline): Uncertain significance (1 of 4 stars; one submission).

Conditions:
ALG12-congenital disorder of glycosylation (CDG1G). Also called: CDG Ig; Congenital disorder of glycosylation, type Ig; ALG12-CDG. Identifiers: Orphanet 79324, MedGen C2931001, MONDO:0011783, OMIM 607143.

Allele frequency attached by ClinVar (database versions not stated): gnomAD exomes below 0.00001; TOPMed below 0.00001; ExAC 0.00002.
gnomAD v4.1: 1 of 1,614,032 alleles (0.000062%); highest among the groups gnomAD compares: Admixed American, 0.0017%; no homozygotes.

Submission:

Labcorp Genetics (formerly Invitae), Labcorp
Classification: Uncertain significance for ALG12-congenital disorder of glycosylation. Last evaluated: 2022-08-22. Review status: criteria provided, single submitter. Criteria: Invitae Variant Classification Sherloc (09022015). Collection method: clinical testing. Allele origin: germline.
Comment: The frequency data for this variant in the population databases is considered unreliable, as metrics indicate poor data quality at this position in the gnomAD database. This sequence change replaces serine, which is neutral and polar, with arginine, which is basic and polar, at codon 79 of the ALG12 protein (p.Ser79Arg). This variant has not been reported in the literature in individuals affected with ALG12-related conditions. Algorithms developed to predict the effect of missense changes on protein structure and function are either unavailable or do not agree on the potential impact of this missense change (SIFT: "Tolerated"; PolyPhen-2: "Probably Damaging"; Align-GVGD: "Class C0"). In summary, the available evidence is currently insufficient to determine the role of this variant in disease. Therefore, it has been classified as a Variant of Uncertain Significance.

NM_024105.4(ALG12):c.237C>A (p.Ser79Arg)

Gene: ALG12 (ALG12 alpha-1,6-mannosyltransferase; minus strand). Cytogenetic location: 22q13.33.
Variant type: single nucleotide variant.
Coding change: c.237C>A on transcript NM_024105.4 (MANE Select); coding-DNA position 237, C replaced by A.
Protein change: p.Ser79Arg; replaces serine 79 with arginine.
Molecular consequence: missense variant.
Genome position (GRCh38, 1-based): chr22:49,913,443, G>T on the plus strand (C>A on the coding strand, the complement: ALG12 is on the minus strand). VCF-style: chr22-49913443-G-T. GRCh37 (hg19) VCF-style: chr22-50307091-G-T.
Other names: short protein forms S79R.
Identifiers: ClinVar variation 1717688 (VCV001717688.5), dbSNP rs772376534, ClinGen allele CA10300692.
Genomic context (GRCh38, chr22:49,913,443, plus strand): 5'-ACCTATTAGCTGAGAGTAAAACTTGGACATTTCTAACAGCGAAAGCACGTAAACCGCGGG[G>T]CTGGAGAACACTGCGATCACCACTGGCCCGAGGAACGTCCTGGGGACGACTCCGGGGAAC-3'
Protein context (NP_077010.1, residues 69-89): LGPVVIAVFS[Ser79Arg]PAVYVLSLLE